The following is an entry in ClinVar:

ClinVar aggregate classification (germline): Conflicting classifications of pathogenicity. Review status: criteria provided, conflicting classifications (1 of 4 stars). 2 submissions from 2 submitters: Uncertain significance (1); Likely benign (1). Last evaluated 2024-06-10.

Conditions:
Intellectual developmental disorder, autosomal dominant 1. Also called: MBD5 Haploinsufficiency; Intellectual disability, autosomal dominant 1. Identifiers: Orphanet 228402, MedGen C1969562, MONDO:0007974, OMIM 156200.

Allele frequency attached by ClinVar (database versions not stated): gnomAD exomes 0.00001 and 0.00002; TOPMed 0.00002; ExAC 0.00001.
gnomAD v4.1: 11 of 1,613,244 alleles (0.00068%); highest among the groups gnomAD compares: Admixed American, 0.0067%; no homozygotes.

Submissions (2):

Labcorp Genetics (formerly Invitae), Labcorp
Classification: Uncertain significance for Intellectual developmental disorder, autosomal dominant 1. Last evaluated: 2024-06-10. Review status: criteria provided, single submitter. Criteria: Invitae Variant Classification Sherloc (09022015). Collection method: clinical testing. Allele origin: germline.
Comment: This sequence change replaces threonine, which is neutral and polar, with asparagine, which is neutral and polar, at codon 957 of the MBD5 protein (p.Thr957Asn). This variant is present in population databases (rs774999439, gnomAD 0.009%). This variant has not been reported in the literature in individuals affected with MBD5-related conditions. ClinVar contains an entry for this variant (Variation ID: 509817). Advanced modeling of protein sequence and biophysical properties (such as structural, functional, and spatial information, amino acid conservation, physicochemical variation, residue mobility, and thermodynamic stability) performed at Invitae indicates that this missense variant is not expected to disrupt MBD5 protein function with a negative predictive value of 80%. In summary, the available evidence is currently insufficient to determine the role of this variant in disease. Therefore, it has been classified as a Variant of Uncertain Significance.

GeneDx
Classification: Likely benign. Last evaluated: 2017-05-26. Review status: criteria provided, single submitter. Criteria: GeneDx Variant Classification (06012015). Collection method: clinical testing. Allele origin: germline. Affected: yes.
Comment: This variant is considered likely benign or benign based on one or more of the following criteria: it is a conservative change, it occurs at a poorly conserved position in the protein, it is predicted to be benign by multiple in silico algorithms, and/or has population frequency not consistent with disease.

NM_001378120.1(MBD5):c.3569C>A (p.Thr1190Asn)

Gene: MBD5 (methyl-CpG binding domain protein 5; plus strand). Cytogenetic location: 2q23.1.
Variant type: single nucleotide variant.
Coding change: c.3569C>A on transcript NM_001378120.1 (MANE Select); coding-DNA position 3569, C replaced by A.
Protein change: p.Thr1190Asn; replaces threonine 1190 with asparagine.
Molecular consequence: missense variant.
Genome position (GRCh38, 1-based): chr2:148,485,766, C>A. VCF-style: chr2-148485766-C-A. GRCh37 (hg19) VCF-style: chr2-149243335-C-A.
Other names: c.2870C>A, p.Thr957Asn (NM_018328.5); short protein forms T957N, T1190N.
Identifiers: ClinVar variation 509817 (VCV000509817.11), dbSNP rs774999439, ClinGen allele CA1900283.